The following is an entry in ClinVar:

NM_001352514.2(HLCS):c.495G>A (p.Ser165=)

Gene: HLCS (holocarboxylase synthetase; minus strand). Cytogenetic location: 21q22.13.
Variant type: single nucleotide variant.
Coding change: c.495G>A on transcript NM_001352514.2 (MANE Select); coding-DNA position 495, G replaced by A.
Protein change: p.Ser165=; no amino-acid change (serine 165 retained).
Molecular consequence: synonymous variant. On other transcripts: non-coding transcript variant (2).
Genome position (GRCh38, 1-based): chr21:36,937,391, C>T on the plus strand (G>A on the coding strand, the complement: HLCS is on the minus strand). VCF-style: chr21-36937391-C-T. GRCh37 (hg19) VCF-style: chr21-38309691-C-T.
Other names: c.54G>A, p.Ser18= (NM_000411.8, NM_001242784.3, NM_001242785.2 and 4 more transcripts).
Identifiers: ClinVar variation 959568 (VCV000959568.11), dbSNP rs1254077652, ClinGen allele CA512326295.

ClinVar aggregate classification (germline): Uncertain significance. Review status: criteria provided, single submitter (1 of 4 stars). 2 submissions from 2 submitters: Uncertain significance (1). 1 of the submissions does not count toward it. Last evaluated 2021-08-31.

Conditions:
Holocarboxylase synthetase deficiency. Also called: MULTIPLE CARBOXYLASE DEFICIENCY, EARLY ONSET. Identifiers: Orphanet 79242, MedGen C0268581, MONDO:0009666, OMIM 253270.

Allele frequency attached by ClinVar (database versions not stated): gnomAD exomes below 0.00001 and 0.00001.
gnomAD v4.1: 13 of 1,612,558 alleles (0.00081%); highest among the groups gnomAD compares: African/African-American, 0.0027%; no homozygotes.

Submissions (2):

Labcorp Genetics (formerly Invitae), Labcorp
Classification: Uncertain significance for Holocarboxylase synthetase deficiency. Last evaluated: 2021-08-31. Review status: criteria provided, single submitter. Criteria: Invitae Variant Classification Sherloc (09022015). Collection method: clinical testing. Allele origin: germline.
Comment: This sequence change affects codon 18 of the HLCS mRNA. It is a 'silent' change, meaning that it does not change the encoded amino acid sequence of the HLCS protein. This variant is not present in population databases (ExAC no frequency). This variant has not been reported in the literature in individuals affected with HLCS-related conditions. Algorithms developed to predict the effect of sequence changes on RNA splicing suggest that this variant may create or strengthen a splice site. In summary, the available evidence is currently insufficient to determine the role of this variant in disease. Therefore, it has been classified as a Variant of Uncertain Significance.

Natera, Inc.
Classification: Uncertain significance for Holocarboxylase synthetase deficiency. Last evaluated: 2020-03-24. Review status: no assertion criteria provided. Collection method: clinical testing. Allele origin: germline. Not counted in ClinVar's aggregate classification.